The following is an entry in ClinVar:

NM_005869.4(CWC27):c.867A>T (p.Leu289Phe)

Gene: CWC27 (CWC27 spliceosome associated cyclophilin; plus strand). Cytogenetic location: 5q12.3.
Variant type: single nucleotide variant.
Coding change: c.867A>T on transcript NM_005869.4 (MANE Select); coding-DNA position 867, A replaced by T.
Protein change: p.Leu289Phe; replaces leucine 289 with phenylalanine.
Molecular consequence: missense variant.
Genome position (GRCh38, 1-based): chr5:64,804,315, A>T. VCF-style: chr5-64804315-A-T. GRCh37 (hg19) VCF-style: chr5-64100142-A-T.
Other names: c.867A>T (NM_005869.2); c.867A>T, p.Leu289Phe (NM_001297644.1, NM_001297645.2, NM_001318000.2 and 1 more transcripts); short protein forms L289F.
Identifiers: ClinVar variation 846487 (VCV000846487.9), dbSNP rs140234898, ClinGen allele CA3282108.

ClinVar aggregate classification (germline): Uncertain significance. Review status: criteria provided, multiple submitters, no conflicts (2 of 4 stars). 4 submissions from 4 submitters: Uncertain significance (3). 1 of the submissions does not count toward it. Last evaluated 2024-08-30.

Conditions:
Inborn genetic diseases. Identifiers: MedGen C0950123, MeSH D030342.
Retinal dystrophy. Also called: Inherited retinal dystrophy. Identifiers: Orphanet 71862, MedGen C0854723, MeSH D058499, MONDO:0019118, HP:0000556.

Allele frequency attached by ClinVar (database versions not stated): gnomAD exomes 0.00005 and 0.00006; ExAC 0.00006; ESP Exome Variant Server 0.00008; gnomAD 0.00009; TOPMed 0.00009.
gnomAD v4.1: 108 of 1,612,678 alleles (0.0067%); highest among the groups gnomAD compares: Admixed American, 0.022%; no homozygotes.

Submissions (4):

Blueprint Genetics
Classification: Uncertain significance. Last evaluated: 2024-08-30. Review status: criteria provided, single submitter. Criteria: ACMG Guidelines, 2015. Collection method: clinical testing. Allele origin: germline.

Ambry Genetics
Classification: Uncertain significance for Inborn genetic diseases. Last evaluated: 2024-07-16. Review status: criteria provided, single submitter. Criteria: Ambry Variant Classification Scheme 2023. Collection method: clinical testing. Allele origin: germline.

Labcorp Genetics (formerly Invitae), Labcorp
Classification: Uncertain significance. Last evaluated: 2022-08-21. Review status: criteria provided, single submitter. Criteria: Invitae Variant Classification Sherloc (09022015). Collection method: clinical testing. Allele origin: germline.
Comment: This sequence change replaces leucine, which is neutral and non-polar, with phenylalanine, which is neutral and non-polar, at codon 289 of the CWC27 protein (p.Leu289Phe). This variant is present in population databases (rs140234898, gnomAD 0.01%). This variant has not been reported in the literature in individuals affected with CWC27-related conditions. ClinVar contains an entry for this variant (Variation ID: 846487). Algorithms developed to predict the effect of missense changes on protein structure and function are either unavailable or do not agree on the potential impact of this missense change (SIFT: "Tolerated"; PolyPhen-2: "Possibly Damaging"; Align-GVGD: "Class C0"). In summary, the available evidence is currently insufficient to determine the role of this variant in disease. Therefore, it has been classified as a Variant of Uncertain Significance.

Institute of Human Genetics, Univ. Regensburg, Univ. Regensburg
Classification: Uncertain significance for Retinal dystrophy. Last evaluated: 2023-01-01. Review status: no assertion criteria provided. Criteria: ACMG Guidelines, 2015. Collection method: clinical testing. Allele origin: germline. Affected: yes. Not counted in ClinVar's aggregate classification.